The following is an entry in ClinVar:

NM_020184.4(CNNM4):c.1442A>G (p.Glu481Gly)

Gene: CNNM4 (cyclin and CBS domain divalent metal cation transport mediator 4; plus strand). Cytogenetic location: 2q11.2.
Variant type: single nucleotide variant.
Coding change: c.1442A>G on transcript NM_020184.4 (MANE Select); coding-DNA position 1442, A replaced by G.
Protein change: p.Glu481Gly; replaces glutamic acid 481 with glycine.
Molecular consequence: missense variant.
Genome position (GRCh38, 1-based): chr2:96,797,051, A>G. VCF-style: chr2-96797051-A-G. GRCh37 (hg19) VCF-style: chr2-97462788-A-G.
Other names: short protein forms E481G.
Identifiers: ClinVar variation 1507949 (VCV001507949.8), dbSNP rs2153349266, ClinGen allele CA347702277.
Genomic context (GRCh38, chr2:96,797,051, plus strand): 5'-ACTTGCTGCATTGTCCCACAGGGAAGTCCCACCTGGCCATCGTGCAGAAGGTAAACAACG[A>G]GGGTGAGGGTGACCCCTTCTACGAGGTCCTGGGCCTGGTCACCCTGGAGGACGTGATCGA-3'
Protein context (NP_064569.3, residues 471-491): HLAIVQKVNN[Glu481Gly]GEGDPFYEVL

ClinVar aggregate classification (germline): Uncertain significance (1 of 4 stars; one submission).

Submission:

Labcorp Genetics (formerly Invitae), Labcorp
Classification: Uncertain significance. Last evaluated: 2025-11-24. Review status: criteria provided, single submitter. Criteria: Invitae Variant Classification Sherloc (09022015). Collection method: clinical testing. Allele origin: germline.
Comment: This sequence change replaces glutamic acid, which is acidic and polar, with glycine, which is neutral and non-polar, at codon 481 of the CNNM4 protein (p.Glu481Gly). This variant is not present in population databases (gnomAD no frequency). This variant has not been reported in the literature in individuals affected with CNNM4-related conditions. ClinVar contains an entry for this variant (Variation ID: 1507949). Invitae Evidence Modeling of protein sequence and biophysical properties (such as structural, functional, and spatial information, amino acid conservation, physicochemical variation, residue mobility, and thermodynamic stability) has been performed for this missense variant. However, the output from this modeling did not meet the statistical confidence thresholds required to predict the impact of this variant on CNNM4 protein function. In summary, the available evidence is currently insufficient to determine the role of this variant in disease. Therefore, it has been classified as a Variant of Uncertain Significance.